The following is an entry in ClinVar:

ClinVar aggregate classification (germline): Benign. Review status: criteria provided, multiple submitters, no conflicts (2 of 4 stars). 3 submissions from 3 submitters: Benign (2). 1 of the submissions does not count toward it. Last evaluated 2018-05-21.

Conditions:
GCC2-related disorder. Also called: GCC2-related condition.

Allele frequency attached by ClinVar (database versions not stated): gnomAD 0.00393 and 0.00436; TOPMed 0.00458; ESP Exome Variant Server 0.00463; gnomAD exomes 0.00599 and 0.00615; ExAC 0.00608; 1000 Genomes Project 0.00679; 1000 Genomes Project 30x 0.00718.
gnomAD v4.1: 9,586 of 1,605,726 alleles (0.6%); highest among the groups gnomAD compares: East Asian, 1.9%; 59 homozygotes.

Submissions (3):

Labcorp Genetics (formerly Invitae), Labcorp
Classification: Benign. Last evaluated: 2018-05-21. Review status: criteria provided, single submitter. Criteria: Invitae Variant Classification Sherloc (09022015). Collection method: clinical testing. Allele origin: germline.

Breakthrough Genomics
Classification: Benign. Review status: criteria provided, single submitter. Criteria: ACMG Guidelines, 2015. Collection method: not provided. Allele origin: germline. Inheritance: Unknown mechanism. Affected: yes.

PreventionGenetics, part of Exact Sciences
Classification: Benign for GCC2-related condition. Last evaluated: 2019-05-21. Review status: no assertion criteria provided. Collection method: clinical testing. Allele origin: germline. Not counted in ClinVar's aggregate classification.
Comment: This variant is classified as benign based on ACMG/AMP sequence variant interpretation guidelines (Richards et al. 2015 PMID: 25741868, with internal and published modifications).

NM_181453.4(GCC2):c.1029A>G (p.Glu343=)

Gene: GCC2 (GRIP and coiled-coil domain containing 2; plus strand). Cytogenetic location: 2q12.3.
Variant type: single nucleotide variant.
Coding change: c.1029A>G on transcript NM_181453.4 (MANE Select); coding-DNA position 1029, A replaced by G.
Protein change: p.Glu343=; no amino-acid change (glutamic acid 343 retained).
Molecular consequence: synonymous variant. On other transcripts: non-coding transcript variant (1).
Genome position (GRCh38, 1-based): chr2:108,470,358, A>G. VCF-style: chr2-108470358-A-G. GRCh37 (hg19) VCF-style: chr2-109086814-A-G.
Identifiers: ClinVar variation 774289 (VCV000774289.6), dbSNP rs61729897, ClinGen allele CA1820468.